The following is an entry in ClinVar:

NC_000005.9:g.(?_118809583)_(118877689_?)dup

Gene: HSD17B4 (hydroxysteroid 17-beta dehydrogenase 4; plus strand). Cytogenetic location: 5q23.1.
Variant type: Duplication.
Identifiers: ClinVar variation 2423045 (VCV002423045.4).

ClinVar aggregate classification (germline): Uncertain significance (1 of 4 stars; one submission).

Conditions:
Perrault syndrome. Also called: Gonadal dysgenesis with auditory dysfunction, autosomal recessive inheritance. Identifiers: Orphanet 2855, MedGen C0685838, MONDO:0017312.
Bifunctional peroxisomal enzyme deficiency (DBIF). Also called: DBP DEFICIENCY; D-bifunctional protein deficiency; PBFE DEFICIENCY. Identifiers: Orphanet 300, MedGen C0342870, MONDO:0009855, OMIM 261515. Disease mechanism: loss of function.

Submission:

Labcorp Genetics (formerly Invitae), Labcorp
Classification: Uncertain significance for Perrault syndrome; Bifunctional peroxisomal enzyme deficiency. Last evaluated: 2022-07-30. Review status: criteria provided, single submitter. Criteria: Invitae Variant Classification Sherloc (09022015). Collection method: clinical testing. Allele origin: germline.
Comment: This variant results in a copy number gain of the genomic region encompassing exon(s) 3-24 of the HSD17B4 gene. This region includes the termination codon of the gene. This copy number gain extends beyond the assayed region for this gene and therefore may encompass additional genes. As the precise location of this event is unknown, it may be in tandem or it may be located elsewhere in the genome. In summary, the available evidence is currently insufficient to determine the role of this variant in disease. Therefore, it has been classified as a Variant of Uncertain Significance. This variant has not been reported in the literature in individuals affected with HSD17B4-related conditions.